The following is an entry in ClinVar:

NM_004006.3(DMD):c.2902_2903insAA (p.Ser968fs)

Gene: DMD (dystrophin; minus strand). Cytogenetic location: Xp21.1.
Variant type: Insertion.
Coding change: c.2902_2903insAA on transcript NM_004006.3 (MANE Select); coding-DNA positions 2902 to 2903, AA inserted.
Protein change: p.Ser968fs; shifts the reading frame from serine 968.
Molecular consequence: frameshift variant.
Genome position: GRCh38 VCF-style: chrX-32472210-C-CTT. GRCh37 (hg19) VCF-style: chrX-32490327-C-CTT.
Other names: c.2878_2879insAA, p.Ser960fs (NM_000109.4); c.2890_2891insAA, p.Ser964fs (NM_004009.3); c.2533_2534insAA, p.Ser845fs (NM_004010.3); short protein forms S964fs, S968fs, S845fs, S960fs.
Identifiers: ClinVar variation 1380995 (VCV001380995.6), dbSNP rs2148485071, ClinGen allele CA2573158810.

ClinVar aggregate classification (germline): Pathogenic (1 of 4 stars; one submission).

Conditions:
Duchenne muscular dystrophy (DMD). Also called: MUSCULAR DYSTROPHY, PSEUDOHYPERTROPHIC PROGRESSIVE, DUCHENNE TYPE; Duchenne Muscular Dystrophy (DMD). Identifiers: Orphanet 98896, MedGen C0013264, MONDO:0010679, OMIM 310200.

Submission:

Labcorp Genetics (formerly Invitae), Labcorp
Classification: Pathogenic for Duchenne muscular dystrophy. Last evaluated: 2020-12-25. Review status: criteria provided, single submitter. Criteria: Invitae Variant Classification Sherloc (09022015). Collection method: clinical testing. Allele origin: germline.
Comment: For these reasons, this variant has been classified as Pathogenic. This variant has not been reported in the literature in individuals with DMD-related conditions. This variant is not present in population databases (ExAC no frequency). This sequence change creates a premature translational stop signal (p.Ser968Lysfs*37) in the DMD gene. It is expected to result in an absent or disrupted protein product. Loss-of-function variants in DMD are known to be pathogenic (PMID: 16770791, 25007885).

Literature cited by the submitters: PubMed 16770791; PubMed 25007885.